The following is an entry in ClinVar:

NM_000288.4(PEX7):c.277C>T (p.Gln93Ter)

Gene: PEX7 (peroxisomal biogenesis factor 7; plus strand). Cytogenetic location: 6q23.3.
Variant type: single nucleotide variant.
Coding change: c.277C>T on transcript NM_000288.4 (MANE Select); coding-DNA position 277, C replaced by T.
Protein change: p.Gln93Ter; replaces glutamine 93 with a stop codon.
Molecular consequence: nonsense.
Genome position (GRCh38, 1-based): chr6:136,826,407, C>T. VCF-style: chr6-136826407-C-T. GRCh37 (hg19) VCF-style: chr6-137147545-C-T.
Other names: short protein forms Q93*.
Identifiers: ClinVar variation 370682 (VCV000370682.19), dbSNP rs763514968, ClinGen allele CA4017545.

ClinVar aggregate classification (germline): Pathogenic/Likely pathogenic. Review status: criteria provided, multiple submitters, no conflicts (2 of 4 stars). 6 submissions from 6 submitters: Pathogenic (3); Likely pathogenic (2). 1 of the submissions does not count toward it. Last evaluated 2025-09-16.

Conditions:
Rhizomelic chondrodysplasia punctata type 1 (RCDP1). Also called: CHONDRODYSTROPHIA CALCIFICANS PUNCTATA; PEX7-Related Rhizomelic Chondrodysplasia Punctata; PEROXISOME BIOGENESIS DISORDER 9. Identifiers: Orphanet 177, Orphanet 309789, MedGen C1859133, MONDO:0008972, OMIM 215100. Disease mechanism: loss of function.
Rhizomelic chondrodysplasia punctata (RCDP). Identifiers: Orphanet 177, MedGen C0282529, MONDO:0015776. Disease mechanism: loss of function.
Refsum disease, classic. Also called: PHYH-Related Refsum Disease; HEREDOPATHIA ATACTICA POLYNEURITIFORMIS; HMSN IV; PHYTANIC ACID OXIDASE DEFICIENCY. Identifiers: Orphanet 773, MedGen C5780941, MONDO:1060256, OMIM 266500. Disease mechanism: loss of function.
Peroxisome biogenesis disorder 9B. Also called: PEX7-Related Refsum Disease; Refsum disease, adult, 2; PEROXISOME BIOGENESIS DISORDER, PEX7-RELATED, ATYPICAL. Identifiers: Orphanet 773, MedGen C2749346, MONDO:0013945, OMIM 614879.
Connective tissue disorder. Also called: Connective tissue disease. Identifiers: MedGen C0009782, MONDO:0003900.

Allele frequency attached by ClinVar (database versions not stated): TOPMed below 0.00001; ExAC 0.00001; gnomAD exomes below 0.00001.

Submissions (6):

Natera, Inc.
Classification: Likely pathogenic for Rhizomelic Chondrodysplasia Punctata. Last evaluated: 2025-09-16. Review status: criteria provided, single submitter. Criteria: Natera Variant Classification Schema (03/2026). Collection method: clinical testing. Allele origin: germline.
Comment: The c.277C>T variant in PEX7 is a nonsense variant predicted to introduce a stop codon at amino acid 93. This variant is expected to result in nonsense mediated decay, truncation, or a dysfunctional protein product. This variant is rare in the general population with a frequency below the threshold expected for the associated phenotype(s). Given the available evidence, this variant is classified as Likely Pathogenic.

Labcorp Genetics (formerly Invitae), Labcorp
Classification: Pathogenic for Peroxisome biogenesis disorder 9B. Last evaluated: 2025-01-23. Review status: criteria provided, single submitter. Criteria: Invitae Variant Classification Sherloc (09022015). Collection method: clinical testing. Allele origin: germline.
Comment: This sequence change creates a premature translational stop signal (p.Gln93*) in the PEX7 gene. It is expected to result in an absent or disrupted protein product. Loss-of-function variants in PEX7 are known to be pathogenic (PMID: 12325024, 12522768, 20301447). This variant is not present in population databases (gnomAD no frequency). This variant has not been reported in the literature in individuals affected with PEX7-related conditions. ClinVar contains an entry for this variant (Variation ID: 370682). For these reasons, this variant has been classified as Pathogenic.

Baylor Genetics
Classification: Likely pathogenic for Peroxisome biogenesis disorder 9B. Last evaluated: 2023-12-01. Review status: criteria provided, single submitter. Criteria: ACMG Guidelines, 2015. Collection method: clinical testing. Allele origin: unknown.

Fulgent Genetics
Classification: Pathogenic for Rhizomelic chondrodysplasia punctata type 1; Refsum disease, classic; Peroxisome biogenesis disorder 9B. Last evaluated: 2022-02-04. Review status: criteria provided, single submitter. Criteria: ACMG Guidelines, 2015. Collection method: clinical testing. Allele origin: unknown.

Genome Diagnostics Laboratory, The Hospital for Sick Children
Classification: Pathogenic for Connective tissue disorder. Last evaluated: 2022-01-14. Review status: criteria provided, single submitter. Criteria: ACMG Guidelines, 2015. Collection method: clinical testing. Allele origin: germline.

Counsyl
Classification: Likely pathogenic for Rhizomelic chondrodysplasia punctata type 1. Last evaluated: 2016-03-22. Review status: no assertion criteria provided. Collection method: clinical testing. Allele origin: unknown. Not counted in ClinVar's aggregate classification.

Literature cited by the submitters: PubMed 12325024 (cited by Labcorp Genetics (formerly Invitae), Labcorp); PubMed 12522768 (cited by Labcorp Genetics (formerly Invitae), Labcorp); PubMed 20301447 (cited by Labcorp Genetics (formerly Invitae), Labcorp).